The following is an entry in ClinVar:

NM_001267550.2(TTN):c.100185T>A (p.Ala33395=)

Genes: TTN (titin; minus strand), TTN-AS1 (TTN antisense RNA 1; plus strand), LOC126806420 (BRD4-independent group 4 enhancer GRCh37_chr2:179401104-179402303; plus strand). Cytogenetic location: 2q31.2.
Variant type: single nucleotide variant.
Coding change: c.100185T>A on transcript NM_001267550.2 (MANE Select); coding-DNA position 100185, T replaced by A.
Protein change: p.Ala33395=; no amino-acid change (alanine 33395 retained).
Molecular consequence: synonymous variant.
Genome position (GRCh38, 1-based): chr2:178,536,562, A>T on the plus strand (T>A on the coding strand, the complement: TTN is on the minus strand). VCF-style: chr2-178536562-A-T. GRCh37 (hg19) VCF-style: chr2-179401289-A-T.
Other names: c.95262T>A, p.Ala31754= (NM_001256850.1); c.72990T>A, p.Ala24330= (NM_003319.4); c.92481T>A, p.Ala30827= (NM_133378.4); c.73365T>A, p.Ala24455= (NM_133432.3); c.73566T>A, p.Ala24522= (NM_133437.4).
Identifiers: ClinVar variation 3036692 (VCV003036692.2), dbSNP rs2154137549, ClinGen allele CA430238766.

ClinVar aggregate classification (germline): Likely benign (0 of 4 stars; one submission).

Conditions:
TTN-related disorder. Also called: TTN-related condition; TTN-related disease; TTN-related disorders.

Submission:

PreventionGenetics, part of Exact Sciences
Classification: Likely benign for TTN-related condition. Last evaluated: 2024-02-14. Review status: no assertion criteria provided. Collection method: clinical testing. Allele origin: germline.
Comment: This variant is classified as likely benign based on ACMG/AMP sequence variant interpretation guidelines (Richards et al. 2015 PMID: 25741868, with internal and published modifications).